The following is an entry in ClinVar:

NM_000179.3(MSH6):c.-47T>C

Genes: MSH6 (mutS homolog 6; plus strand), LOC129933706 (ATAC-STARR-seq lymphoblastoid silent region 11467; plus strand). Cytogenetic location: 2p16.3.
Variant type: single nucleotide variant.
Coding change: c.-47T>C on transcript NM_000179.3 (MANE Select); 47 bases upstream of the start codon, T replaced by C.
Molecular consequence: 5 prime UTR variant.
Genome position (GRCh38, 1-based): chr2:47,783,187, T>C. VCF-style: chr2-47783187-T-C. GRCh37 (hg19) VCF-style: chr2-48010326-T-C.
Other names: c.-47T>C (NM_001281492.2); c.-783T>C (NM_001281493.2).
Identifiers: ClinVar variation 381839 (VCV000381839.1), dbSNP rs1057521187, ClinGen allele CA16604555.

ClinVar aggregate classification (germline): Likely benign (1 of 4 stars; one submission).

Submission:

GeneDx
Classification: Likely benign. Last evaluated: 2015-11-22. Review status: criteria provided, single submitter. Criteria: GeneDx Variant Classification (06012015). Collection method: clinical testing. Allele origin: germline. Affected: yes.
Comment: This variant is considered likely benign or benign based on one or more of the following criteria: it is a conservative change, it occurs at a poorly conserved position in the protein, it is predicted to be benign by multiple in silico algorithms, and/or has population frequency not consistent with disease.